The following is an entry in ClinVar:

ClinVar aggregate classification (germline): Uncertain significance (1 of 4 stars; one submission).

Conditions:
Glycogen storage disease, type II (IOPD). Also called: Pompe Disease; POMPE DISEASE, INFANTILE-ONSET; GLYCOGEN STORAGE DISEASE II, INFANTILE-ONSET; ACID ALPHA-GLUCOSIDASE DEFICIENCY, INFANTILE-ONSET; GAA DEFICIENCY, INFANTILE-ONSET; ACID MALTASE DEFICIENCY, INFANTILE-ONSET. Identifiers: Orphanet 365, MedGen C0017921, MONDO:0009290, OMIM 232300.

Allele frequency attached by ClinVar (database versions not stated): gnomAD 0.00001.
gnomAD v4.1: 2 of 1,612,562 alleles (0.00012%); highest among the groups gnomAD compares: African/African-American, 0.0027%; no homozygotes.

Submission:

Labcorp Genetics (formerly Invitae), Labcorp
Classification: Uncertain significance for Glycogen storage disease, type II. Last evaluated: 2023-07-12. Review status: criteria provided, single submitter. Criteria: Invitae Variant Classification Sherloc (09022015). Collection method: clinical testing. Allele origin: germline.
Comment: In summary, the available evidence is currently insufficient to determine the role of this variant in disease. Therefore, it has been classified as a Variant of Uncertain Significance. Advanced modeling of protein sequence and biophysical properties (such as structural, functional, and spatial information, amino acid conservation, physicochemical variation, residue mobility, and thermodynamic stability) performed at Invitae indicates that this missense variant is expected to disrupt GAA protein function. This variant has not been reported in the literature in individuals affected with GAA-related conditions. This variant is not present in population databases (gnomAD no frequency). This sequence change replaces glycine, which is neutral and non-polar, with glutamic acid, which is acidic and polar, at codon 802 of the GAA protein (p.Gly802Glu).

NM_000152.5(GAA):c.2405G>A (p.Gly802Glu)

Gene: GAA (alpha glucosidase; plus strand). Cytogenetic location: 17q25.3.
Variant type: single nucleotide variant.
Coding change: c.2405G>A on transcript NM_000152.5 (MANE Select); coding-DNA position 2405, G replaced by A.
Protein change: p.Gly802Glu; replaces glycine 802 with glutamic acid.
Molecular consequence: missense variant.
Genome position (GRCh38, 1-based): chr17:80,117,673, G>A. VCF-style: chr17-80117673-G-A. GRCh37 (hg19) VCF-style: chr17-78091472-G-A.
Other names: c.2405G>A, p.Gly802Glu (NM_001079803.3, NM_001079804.3, NM_001406741.1 and 1 more transcripts); short protein forms G802E.
Identifiers: ClinVar variation 2873679 (VCV002873679.2), dbSNP rs2039386318, ClinGen allele CA401325113.